The following is an entry in ClinVar:

NM_014053.4(FLVCR1):c.18T>A (p.Asp6Glu)

Gene: FLVCR1 (FLVCR choline and heme transporter 1; plus strand). Cytogenetic location: 1q32.3.
Variant type: single nucleotide variant.
Coding change: c.18T>A on transcript NM_014053.4 (MANE Select); coding-DNA position 18, T replaced by A.
Protein change: p.Asp6Glu; replaces aspartic acid 6 with glutamic acid.
Molecular consequence: missense variant.
Genome position (GRCh38, 1-based): chr1:212,858,470, T>A. VCF-style: chr1-212858470-T-A. GRCh37 (hg19) VCF-style: chr1-213031812-T-A.
Other names: short protein forms D6E.
Identifiers: ClinVar variation 994877 (VCV000994877.2), dbSNP rs1029247819, ClinGen allele CA36896347.
Genomic context (GRCh38, chr1:212,858,470, plus strand): 5'-GGAGTGGGGCGGGGGAGCGAGGTGGCGCCGGGGAGCCTGGGATATGGCGCGGCCAGACGA[T>A]GAGGAGGGGGCGGCGGTGGCGCCCGGACACCCGCTCGCGAAAGGATACCTCCCGTTGCCG-3'
Protein context (NP_054772.1, residues 1-16): MARPD[Asp6Glu]EEGAAVAPGH

ClinVar aggregate classification (germline): Uncertain significance (1 of 4 stars; one submission).

Allele frequency attached by ClinVar (database versions not stated): gnomAD 0.00001; TOPMed 0.00003.
gnomAD v4.1: 15 of 1,439,594 alleles (0.001%); highest among the groups gnomAD compares: Non-Finnish European, 0.0013%; no homozygotes.

Submission:

Athena Diagnostics
Classification: Uncertain significance. Last evaluated: 2024-02-02. Review status: criteria provided, single submitter. Criteria: Athena Diagnostics Criteria. Collection method: clinical testing. Allele origin: unknown.
Comment: Available data are insufficient to determine the clinical significance of the variant at this time. The frequency of this variant in the general population is uninformative in assessment of its pathogenicity. Computational tools predict that this variant is not damaging.